The following is an entry in ClinVar:

NM_000540.3(RYR1):c.3214C>T (p.Arg1072Cys)

Gene: RYR1 (ryanodine receptor 1; plus strand). Cytogenetic location: 19q13.2.
Variant type: single nucleotide variant.
Coding change: c.3214C>T on transcript NM_000540.3 (MANE Select); coding-DNA position 3214, C replaced by T.
Protein change: p.Arg1072Cys; replaces arginine 1072 with cysteine.
Molecular consequence: missense variant.
Genome position (GRCh38, 1-based): chr19:38,467,645, C>T. VCF-style: chr19-38467645-C-T. GRCh37 (hg19) VCF-style: chr19-38958285-C-T.
Other names: c.3214C>T, p.Arg1072Cys (NM_001042723.2); short protein forms R1072C.
Identifiers: ClinVar variation 3075146 (VCV003075146.1), dbSNP rs1307359469, ClinGen allele CA405636967.

ClinVar aggregate classification (germline): Uncertain significance (1 of 4 stars; one submission).

Conditions:
Malignant hyperthermia, susceptibility to, 1 (MHS1). Also called: Anesthesia related hyperthermia; Malignant hyperpyrexia; Fulminating hyperpyrexia; Pharmacogenic myopathy; RYR1-Related Malignant Hyperthermia Susceptibility; Malignant hyperthermia suceptibility 1. Identifiers: Orphanet 423, MedGen C2930980, MONDO:0007783, OMIM 145600.

Allele frequency attached by ClinVar (database versions not stated): gnomAD exomes below 0.00001.

Submission:

All of Us Research Program, National Institutes of Health
Classification: Uncertain significance for Malignant hyperthermia, susceptibility to, 1. Last evaluated: 2023-12-18. Review status: criteria provided, single submitter. Criteria: ACMG Guidelines, 2015. Collection method: clinical testing. Allele origin: germline. Inheritance: Autosomal dominant inheritance. Observed: 1 variant allele, 1 heterozygote.
Comment: This missense variant replaces arginine with cysteine at codon 1072 of the RYR1 protein. Computational prediction suggests that this variant may have deleterious impact on protein structure and function (internally defined REVEL score threshold >= 0.7, PMID: 27666373). To our knowledge, functional studies have not been reported for this variant. This variant has not been reported in individuals affected with RYR1-related disorders in the literature. This variant has been identified in 1/251480 chromosomes in the general population by the Genome Aggregation Database (gnomAD). The available evidence is insufficient to determine the role of this variant in disease conclusively. Therefore, this variant is classified as a Variant of Uncertain Significance.

This study involves interpretation of variants in research participants for the purpose of population health screening. Participant phenotype was not available at the time of variant classification. Additional details can be found in publication PMID: 35346344, PMCID: PMC8962531